The following is an entry in ClinVar:

ClinVar aggregate classification (germline): Uncertain significance (1 of 4 stars; one submission).

Conditions:
Neurofibromatosis, type 1 (NF1). Also called: Neurofibromatosis, type I; NEUROFIBROMATOSIS, TYPE I, SOMATIC; Peripheral type neurofibromatosis; VON RECKLINGHAUSEN DISEASE. Identifiers: Orphanet 636, MedGen C0027831, MONDO:0018975, OMIM 162200. Disease mechanism: loss of function.

Allele frequency attached by ClinVar (database versions not stated): gnomAD exomes below 0.00001.
gnomAD v4.1: 1 of 1,613,490 alleles (0.000062%); highest among the groups gnomAD compares: African/African-American, 0.0013%; no homozygotes.

Submission:

Labcorp Genetics (formerly Invitae), Labcorp
Classification: Uncertain significance for Neurofibromatosis, type 1. Last evaluated: 2023-08-16. Review status: criteria provided, single submitter. Criteria: Invitae Variant Classification Sherloc (09022015). Collection method: clinical testing. Allele origin: germline.
Comment: In summary, the available evidence is currently insufficient to determine the role of this variant in disease. Therefore, it has been classified as a Variant of Uncertain Significance. Advanced modeling of protein sequence and biophysical properties (such as structural, functional, and spatial information, amino acid conservation, physicochemical variation, residue mobility, and thermodynamic stability) performed at Invitae indicates that this missense variant is expected to disrupt NF1 protein function. This variant has not been reported in the literature in individuals affected with NF1-related conditions. This variant is not present in population databases (gnomAD no frequency). This sequence change replaces aspartic acid, which is acidic and polar, with glycine, which is neutral and non-polar, at codon 1028 of the NF1 protein (p.Asp1028Gly).

NM_001042492.3(NF1):c.3083A>G (p.Asp1028Gly)

Gene: NF1 (neurofibromin 1; plus strand). Cytogenetic location: 17q11.2.
Variant type: single nucleotide variant.
Coding change: c.3083A>G on transcript NM_001042492.3 (MANE Select); coding-DNA position 3083, A replaced by G.
Protein change: p.Asp1028Gly; replaces aspartic acid 1028 with glycine.
Molecular consequence: missense variant.
Genome position (GRCh38, 1-based): chr17:31,230,352, A>G. VCF-style: chr17-31230352-A-G. GRCh37 (hg19) VCF-style: chr17-29557370-A-G.
Other names: c.3083A>G, p.Asp1028Gly (NM_000267.4); short protein forms D1028G.
Identifiers: ClinVar variation 2915504 (VCV002915504.3), dbSNP rs2151431701, ClinGen allele CA398987534.
Genomic context (GRCh38, chr17:31,230,352, plus strand): 5'-CAATTCAAATAAAAACGAAACTGTGTCAATTAGTTGAAGTAATGATGGCAAGGAGAGATG[A>G]CCTCTCATTTTGCCAAGAGATGAAATTTAGGTGAGTTCTCAAAAGAGCAATGTAGGGTCT-3'
Protein context (NP_001035957.1, residues 1018-1038): LVEVMMARRD[Asp1028Gly]LSFCQEMKFR